The following is an entry in ClinVar:

NM_003705.5(SLC25A12):c.452C>T (p.Thr151Met)

Gene: SLC25A12 (solute carrier family 25 member 12; minus strand). Cytogenetic location: 2q31.1.
Variant type: single nucleotide variant.
Coding change: c.452C>T on transcript NM_003705.5 (MANE Select); coding-DNA position 452, C replaced by T.
Protein change: p.Thr151Met; replaces threonine 151 with methionine.
Molecular consequence: missense variant. On other transcripts: non-coding transcript variant (1).
Genome position (GRCh38, 1-based): chr2:171,844,382, G>A on the plus strand (C>T on the coding strand, the complement: SLC25A12 is on the minus strand). VCF-style: chr2-171844382-G-A. GRCh37 (hg19) VCF-style: chr2-172700892-G-A.
Other names: short protein forms T151M.
Identifiers: ClinVar variation 968912 (VCV000968912.7), dbSNP rs187566712, ClinGen allele CA1966391.

ClinVar aggregate classification (germline): Uncertain significance (1 of 4 stars; one submission).

Allele frequency attached by ClinVar (database versions not stated): ExAC 0.00001; gnomAD 0.00001; gnomAD exomes 0.00001; TOPMed 0.00002.
gnomAD v4.1: 20 of 1,613,802 alleles (0.0012%); highest among the groups gnomAD compares: South Asian, 0.0044%; no homozygotes.

Submission:

Labcorp Genetics (formerly Invitae), Labcorp
Classification: Uncertain significance. Last evaluated: 2021-09-01. Review status: criteria provided, single submitter. Criteria: Invitae Variant Classification Sherloc (09022015). Collection method: clinical testing. Allele origin: germline.
Comment: This sequence change replaces threonine with methionine at codon 151 of the SLC25A12 protein (p.Thr151Met). The threonine residue is highly conserved and there is a moderate physicochemical difference between threonine and methionine. This variant is present in population databases (rs187566712, ExAC 0.006%). This variant has not been reported in the literature in individuals affected with SLC25A12-related conditions. Algorithms developed to predict the effect of missense changes on protein structure and function are either unavailable or do not agree on the potential impact of this missense change (SIFT: "Deleterious"; PolyPhen-2: "Probably Damaging"; Align-GVGD: "Class C0"). In summary, the available evidence is currently insufficient to determine the role of this variant in disease. Therefore, it has been classified as a Variant of Uncertain Significance.